The following is an entry in ClinVar:

NM_005267.5(GJA8):c.321A>C (p.Lys107Asn)

Gene: GJA8 (gap junction protein alpha 8; plus strand). Cytogenetic location: 1q21.2.
Variant type: single nucleotide variant.
Coding change: c.321A>C on transcript NM_005267.5 (MANE Select); coding-DNA position 321, A replaced by C.
Protein change: p.Lys107Asn; replaces lysine 107 with asparagine.
Molecular consequence: missense variant.
Genome position (GRCh38, 1-based): chr1:147,908,276, A>C. VCF-style: chr1-147908276-A-C. GRCh37 (hg19) VCF-style: chr1-147380403-A-C.
Other names: short protein forms K107N.
Identifiers: ClinVar variation 2639124 (VCV002639124.24), dbSNP rs782623142, ClinGen allele CA1065911.

ClinVar aggregate classification (germline): Uncertain significance (1 of 4 stars; one submission).

Allele frequency attached by ClinVar (database versions not stated): ExAC 0.00001; gnomAD exomes 0.00002; TOPMed 0.00003; gnomAD 0.00006.

Submission:

CeGaT Center for Human Genetics Tuebingen
Classification: Uncertain significance. Last evaluated: 2023-09-01. Review status: criteria provided, single submitter. Criteria: CeGaT Center For Human Genetics Tuebingen Variant Classification Criteria Version 2. Collection method: clinical testing. Allele origin: germline. Affected: yes. Observed: 1 variant allele.
Comment: GJA8: PM2:Supporting